The following is an entry in ClinVar:

NM_018180.3(DHX32):c.1290G>A (p.Val430=)

Genes: BCCIP (BRCA2 and CDKN1A interacting protein; plus strand), DHX32 (DEAH-box helicase 32 (putative); minus strand). Cytogenetic location: 10q26.2.
Variant type: single nucleotide variant.
Coding change: c.1290G>A on transcript NM_018180.3 (MANE Select); coding-DNA position 1290, G replaced by A.
Protein change: p.Val430=; no amino-acid change (valine 430 retained).
Molecular consequence: synonymous variant. On other transcripts: intron variant (1).
Genome position (GRCh38, 1-based): chr10:125,852,354, C>T on the plus strand (G>A on the coding strand, the complement: DHX32 is on the minus strand). VCF-style: chr10-125852354-C-T. GRCh37 (hg19) VCF-style: chr10-127540923-C-T.
Other names: c.851-771C>T (NM_016567.4).
Identifiers: ClinVar variation 2704361 (VCV002704361.3), dbSNP rs199580606, ClinGen allele CA471799706.
Genomic context (GRCh38, chr10:125,852,354, plus strand): 5'-TGGTCTGTTCATGAAGTCACAGTGGCCTAGGCCCGCAATGTCTATCCTCTTCATAAAAAG[C>T]ACCATGCTTGTTAGGTTGGCTTCCTGCATTTCTGCTGGCTTCAGTGGCGTCATGTCTTTG-3'
Protein context (NP_060650.2, residues 420-440): EMQEANLTSM[Val430=]LFMKRIDIAG

ClinVar aggregate classification (germline): Uncertain significance (1 of 4 stars; one submission).

gnomAD v4.1: 2 of 1,614,196 alleles (0.00012%); highest among the groups gnomAD compares: East Asian, 0.0022%; no homozygotes.

Submission:

Labcorp Genetics (formerly Invitae), Labcorp
Classification: Uncertain significance. Last evaluated: 2023-12-19. Review status: criteria provided, single submitter. Criteria: Invitae Variant Classification Sherloc (09022015). Collection method: clinical testing. Allele origin: germline.
Comment: This sequence change affects codon 430 of the DHX32 mRNA. It is a 'silent' change, meaning that it does not change the encoded amino acid sequence of the DHX32 protein. This variant is not present in population databases (gnomAD no frequency). This variant has not been reported in the literature in individuals affected with DHX32-related conditions. Algorithms developed to predict the effect of sequence changes on RNA splicing suggest that this variant may create or strengthen a splice site. In summary, the available evidence is currently insufficient to determine the role of this variant in disease. Therefore, it has been classified as a Variant of Uncertain Significance.